The following is an entry in ClinVar:

ClinVar aggregate classification (germline): Benign/Likely benign. Review status: criteria provided, multiple submitters, no conflicts (2 of 4 stars). 4 submissions from 4 submitters: Benign (2); Likely benign (2). Last evaluated 2025-12-09.

Allele frequency attached by ClinVar (database versions not stated): gnomAD exomes 0.00081; ExAC 0.00093; ESP Exome Variant Server 0.00277; gnomAD 0.00297 and 0.00319; 1000 Genomes Project 0.00300; TOPMed 0.00330; 1000 Genomes Project 30x 0.00359.
gnomAD v4.1: 874 of 1,609,958 alleles (0.054%); highest among the groups gnomAD compares: African/African-American, 1%; 4 homozygotes.

Submissions (4):

Labcorp Genetics (formerly Invitae), Labcorp
Classification: Benign. Last evaluated: 2025-12-09. Review status: criteria provided, single submitter. Criteria: Invitae Variant Classification Sherloc (09022015). Collection method: clinical testing. Allele origin: germline.

ARUP Laboratories, Molecular Genetics and Genomics, ARUP Laboratories
Classification: Benign. Last evaluated: 2025-06-20. Review status: criteria provided, single submitter. Criteria: ARUP Molecular Germline Variant Investigation Process 2024. Collection method: clinical testing. Allele origin: germline.

Blueprint Genetics
Classification: Likely benign. Last evaluated: 2024-10-16. Review status: criteria provided, single submitter. Criteria: ACMG Guidelines, 2015. Collection method: clinical testing. Allele origin: germline.

GeneDx
Classification: Likely benign. Last evaluated: 2018-01-03. Review status: criteria provided, single submitter. Criteria: GeneDx Variant Classification (06012015). Collection method: clinical testing. Allele origin: germline. Affected: yes.
Comment: This variant is considered likely benign or benign based on one or more of the following criteria: it is a conservative change, it occurs at a poorly conserved position in the protein, it is predicted to be benign by multiple in silico algorithms, and/or has population frequency not consistent with disease.

NM_001457.4(FLNB):c.4222+19A>C

Gene: FLNB (filamin B; plus strand). Cytogenetic location: 3p14.3.
Variant type: single nucleotide variant.
Coding change: c.4222+19A>C on transcript NM_001457.4 (MANE Select); 19 bases into the intron after coding-DNA position 4222, A replaced by C.
Molecular consequence: intron variant.
Genome position (GRCh38, 1-based): chr3:58,126,781, A>C. VCF-style: chr3-58126781-A-C. GRCh37 (hg19) VCF-style: chr3-58112508-A-C.
Other names: c.4222+19A>C (NM_001164317.2, NM_001164318.2, NM_001164319.2).
Identifiers: ClinVar variation 514602 (VCV000514602.12), dbSNP rs146229370, ClinGen allele CA2468689.
Genomic context (GRCh38, chr3:58,126,781, plus strand): 5'-ATTACGATGTTAATATCACATATGGAGGAGCCCACATCCCCGGTGAGCTATTCCTCAGAG[A>C]GGACCCCAGAGAATAATTGATTTTGCAGGAAAATGGGTTTGATTTTGGTTATCTCTCTGA-3'